The following is an entry in ClinVar:

ClinVar aggregate classification (germline): Uncertain significance. Review status: criteria provided, multiple submitters, no conflicts (2 of 4 stars). 2 submissions from 2 submitters: Uncertain significance (2). Last evaluated 2024-09-20.

Conditions:
Inborn genetic diseases. Identifiers: MedGen C0950123, MeSH D030342.

Allele frequency attached by ClinVar (database versions not stated): ExAC 0.00001; gnomAD exomes 0.00001; TOPMed 0.00002.
gnomAD v4.1: 12 of 1,613,640 alleles (0.00074%); highest among the groups gnomAD compares: Admixed American, 0.0083%; no homozygotes.

Submissions (2):

Ambry Genetics
Classification: Uncertain significance for Inborn genetic diseases. Last evaluated: 2024-09-20. Review status: criteria provided, single submitter. Criteria: Ambry Variant Classification Scheme 2023. Collection method: clinical testing. Allele origin: germline.

Labcorp Genetics (formerly Invitae), Labcorp
Classification: Uncertain significance. Last evaluated: 2022-09-19. Review status: criteria provided, single submitter. Criteria: Invitae Variant Classification Sherloc (09022015). Collection method: clinical testing. Allele origin: germline.
Comment: This sequence change replaces phenylalanine, which is neutral and non-polar, with leucine, which is neutral and non-polar, at codon 672 of the TMTC3 protein (p.Phe672Leu). In summary, the available evidence is currently insufficient to determine the role of this variant in disease. Therefore, it has been classified as a Variant of Uncertain Significance. Algorithms developed to predict the effect of missense changes on protein structure and function are either unavailable or do not agree on the potential impact of this missense change (SIFT: "Tolerated"; PolyPhen-2: "Possibly Damaging"; Align-GVGD: "Class C0"). This variant has not been reported in the literature in individuals affected with TMTC3-related conditions. This variant is present in population databases (rs754270071, gnomAD 0.006%).

NM_181783.4(TMTC3):c.2014T>C (p.Phe672Leu)

Gene: TMTC3 (transmembrane O-mannosyltransferase targeting cadherins 3; plus strand). Cytogenetic location: 12q21.32.
Variant type: single nucleotide variant.
Coding change: c.2014T>C on transcript NM_181783.4 (MANE Select); coding-DNA position 2014, T replaced by C.
Protein change: p.Phe672Leu; replaces phenylalanine 672 with leucine.
Molecular consequence: missense variant. On other transcripts: non-coding transcript variant (1).
Genome position (GRCh38, 1-based): chr12:88,194,918, T>C. VCF-style: chr12-88194918-T-C. GRCh37 (hg19) VCF-style: chr12-88588695-T-C.
Other names: c.1834T>C, p.Phe612Leu (NM_001366574.1); c.1795T>C, p.Phe599Leu (NM_001366579.1); c.1747T>C, p.Phe583Leu (NM_001366580.1); c.1321T>C, p.Phe441Leu (NM_001366583.1); c.2014T>C (NM_181783.3); short protein forms F583L, F612L, F441L, F599L, F672L.
Identifiers: ClinVar variation 2072625 (VCV002072625.5), dbSNP rs754270071, ClinGen allele CA6713419.